The following is an entry in ClinVar:

ClinVar aggregate classification (germline): Likely benign (1 of 4 stars; one submission).

Conditions:
Breast-ovarian cancer, familial, susceptibility to, 1 (BROVCA1). Also called: OVARIAN CANCER, SUSCEPTIBILITY TO; BRCA1 Hereditary Breast and Ovarian Cancer. Identifiers: Orphanet 145, MedGen C2676676, MONDO:0011450, OMIM 604370. Disease mechanism: loss of function.

Submission:

Cancer Bioinformatics and Tumour Evolution Laboratory, Monash University
Classification: Likely benign for Breast-ovarian cancer, familial, susceptibility to, 1. Last evaluated: 2026-05-01. Review status: criteria provided, single submitter. Criteria: ClinGen BRCA1 and BRCA2 Guidelines, 2024. Collection method: curation. Allele origin: germline. Inheritance: Autosomal dominant inheritance.
Comment: PMID: 39281752 - A large scale study to determine the case-control LR of BRCA1 and BRCA2 variants. The data was consolidated in the ccLR browser. This variant was found in the browser with a LR of .0.620392894 which is in the intermediate range according to the BRCA1 and BRCA2 VCEP. Hence, no evidence code applied. The variant is also a missense outside of the functional domain with no predicted splice impact. Hence BP_Strong is applied as recommended by the BRCA1 and BRCA2 VCEP guidelines (PMID: 39142283).

Literature cited by the submitters: PubMed 39281752.

NM_007294.4(BRCA1):c.3065C>G (p.Thr1022Arg)

Gene: BRCA1 (BRCA1 DNA repair associated; minus strand). Cytogenetic location: 17q21.31.
Variant type: single nucleotide variant.
Coding change: c.3065C>G on transcript NM_007294.4 (MANE Select); coding-DNA position 3065, C replaced by G.
Protein change: p.Thr1022Arg; replaces threonine 1022 with arginine.
Molecular consequence: missense variant. On other transcripts: intron variant (137).
Genome position (GRCh38, 1-based): chr17:43,092,466, G>C on the plus strand (C>G on the coding strand, the complement: BRCA1 is on the minus strand). VCF-style: chr17-43092466-G-C. GRCh37 (hg19) VCF-style: chr17-41244483-G-C.
Other names: c.2924C>G, p.Thr975Arg (NM_001407732.1, NM_001407733.1, NM_001407734.1 and 29 more transcripts); c.2921C>G, p.Thr974Arg (NM_001407740.1, NM_001407741.1, NM_001407847.1 and 20 more transcripts); c.788-1434C>G (NM_001408403.1, NM_001407983.1, NM_001407975.1 and 17 more transcripts); c.791-1443C>G (NM_001408406.1); c.647-1434C>G (NM_001408456.1, NM_001408410.1, NM_001408458.1 and 11 more transcripts); c.644-1434C>G (NM_001408465.1, NM_001408463.1, NM_001408462.1 and 3 more transcripts); c.578-1434C>G (NM_001408482.1, NM_001408484.1, NM_001408478.1 and 9 more transcripts); c.521-1434C>G (NM_001408504.1, NM_001408503.1, NM_001408505.1); and 41 more; short protein forms T1019R, T1021R, T1022R, T726R, T854R, T894R, T895R, T910R.
Identifiers: ClinVar variation 4856550 (VCV004856550.1).
Genomic context (GRCh38, chr17:43,092,466, plus strand): 5'-CTTGAGCTGGCTTCTTTAAAAACATTTTCTCTAATGTTATTACGGCTAATTGTGCTCACT[G>C]TACTTGGAATGTTCTCATTTCCCATTTCTCTTTCAGGTGACATTGAATGTTCCTCAAAGT-3'
Protein context (NP_009225.1, residues 1012-1032): REMGNENIPS[Thr1022Arg]VSTISRNNIR